The following is an entry in ClinVar:

ClinVar aggregate classification (germline): Benign/Likely benign. Review status: criteria provided, multiple submitters, no conflicts (2 of 4 stars). 7 submissions from 7 submitters: Benign (2); Likely benign (4). 1 of the submissions does not count toward it. Last evaluated 2026-01-21.

Conditions:
PLEC-related disorder. Also called: PLEC-related condition; PLEC-related disorders.
Inborn genetic diseases. Identifiers: MedGen C0950123, MeSH D030342.
Autosomal recessive limb-girdle muscular dystrophy type 2Q (LGMDR17). Also called: MUSCULAR DYSTROPHY, LIMB-GIRDLE, AUTOSOMAL RECESSIVE 17. Identifiers: Orphanet 254361, MedGen C3150989, MONDO:0013390, OMIM 613723.
Epidermolysis bullosa simplex 5B, with muscular dystrophy (EBS5B). Also called: EPIDERMOLYSIS BULLOSA SIMPLEX AND LIMB-GIRDLE MUSCULAR DYSTROPHY; Epidermolysis bullosa simplex with muscular dystrophy. Identifiers: Orphanet 257, MedGen C2931072, MONDO:0009181, OMIM 226670.
Epidermolysis bullosa simplex with nail dystrophy (EBS5D). Identifiers: MedGen C4225309, MONDO:0014661, OMIM 616487.
Epidermolysis bullosa simplex 5C, with pyloric atresia (EBS5C). Also called: PLEC-Related Epidermolysis Bullosa with Pyloric Atresia; PLEC1-Related Epidermolysis Bullosa with Pyloric Atresia; Epidermolysis bullosa simplex with pyloric atresia. Identifiers: Orphanet 158684, MedGen C2677349, MONDO:0012807, OMIM 612138.
Epidermolysis bullosa simplex, Ogna type (EBS5A). Also called: Pidermolysis bullosa simplex 5A, Ogna type; EPIDERMOLYSIS BULLOSA SIMPLEX 5A, OGNA TYPE. Identifiers: Orphanet 79401, MedGen C0432317, MONDO:0007555, OMIM 131950.

Allele frequency attached by ClinVar (database versions not stated): gnomAD exomes 0.00037; ExAC 0.00041; ESP Exome Variant Server 0.00085; gnomAD 0.00141 and 0.00149; 1000 Genomes Project 30x 0.00156; TOPMed 0.00161; 1000 Genomes Project 0.00180.
gnomAD v4.1: 450 of 1,613,978 alleles (0.028%); highest among the groups gnomAD compares: African/African-American, 0.5%; 1 homozygote.

Submissions (7):

Labcorp Genetics (formerly Invitae), Labcorp
Classification: Benign for Autosomal recessive limb-girdle muscular dystrophy type 2Q; Epidermolysis bullosa simplex, Ogna type; Epidermolysis bullosa simplex with nail dystrophy; Epidermolysis bullosa simplex 5C, with pyloric atresia; Epidermolysis bullosa simplex 5B, with muscular dystrophy. Last evaluated: 2026-01-21. Review status: criteria provided, single submitter. Criteria: Invitae Variant Classification Sherloc (09022015). Collection method: clinical testing. Allele origin: germline.

Ambry Genetics
Classification: Likely benign for Inborn genetic diseases. Last evaluated: 2025-11-08. Review status: criteria provided, single submitter. Criteria: Ambry Variant Classification Scheme 2023. Collection method: clinical testing. Allele origin: germline.

Blueprint Genetics
Classification: Likely benign. Last evaluated: 2024-11-27. Review status: criteria provided, single submitter. Criteria: ACMG Guidelines, 2015. Collection method: clinical testing. Allele origin: germline.

GeneDx
Classification: Likely benign. Last evaluated: 2021-10-30. Review status: criteria provided, single submitter. Criteria: GeneDx Variant Classification Process June 2021. Collection method: clinical testing. Allele origin: germline. Affected: yes.

Athena Diagnostics
Classification: Benign. Last evaluated: 2019-02-28. Review status: criteria provided, single submitter. Criteria: Athena Diagnostics Criteria. Collection method: clinical testing. Allele origin: germline.

Eurofins Ntd Llc (ga)
Classification: Likely benign. Last evaluated: 2017-06-22. Review status: criteria provided, single submitter. Criteria: EGL Classification Definitions 2015. Collection method: clinical testing. Allele origin: germline. Observed: 3 variant alleles, 3 heterozygotes.

PreventionGenetics, part of Exact Sciences
Classification: Likely benign for PLEC-related condition. Last evaluated: 2024-06-12. Review status: no assertion criteria provided. Collection method: clinical testing. Allele origin: germline. Not counted in ClinVar's aggregate classification.
Comment: This variant is classified as likely benign based on ACMG/AMP sequence variant interpretation guidelines (Richards et al. 2015 PMID: 25741868, with internal and published modifications).

NM_201384.3(PLEC):c.8625C>T (p.Pro2875=)

Gene: PLEC (plectin; minus strand). Cytogenetic location: 8q24.3.
Variant type: single nucleotide variant.
Coding change: c.8625C>T on transcript NM_201384.3 (MANE Select); coding-DNA position 8625, C replaced by T.
Protein change: p.Pro2875=; no amino-acid change (proline 2875 retained).
Molecular consequence: synonymous variant.
Genome position (GRCh38, 1-based): chr8:143,921,196, G>A on the plus strand (C>T on the coding strand, the complement: PLEC is on the minus strand). VCF-style: chr8-143921196-G-A. GRCh37 (hg19) VCF-style: chr8-144995364-G-A.
Other names: c.8706C>T, p.Pro2902= (NM_000445.5); c.8583C>T, p.Pro2861= (NM_201378.4); c.8559C>T, p.Pro2853= (NM_201379.3); c.9036C>T, p.Pro3012= (NM_201380.4); c.8529C>T, p.Pro2843= (NM_201381.3); c.8625C>T, p.Pro2875= (NM_201382.4); c.8637C>T, p.Pro2879= (NM_201383.3).
Identifiers: ClinVar variation 283025 (VCV000283025.22), dbSNP rs183401234, ClinGen allele CA4925240.